The following is an entry in ClinVar:

ClinVar aggregate classification (germline): Pathogenic (1 of 4 stars; one submission).

Conditions:
Donnai-Barrow syndrome. Also called: DBS/FOAR SYNDROME; FACIOOCULOACOUSTICORENAL SYNDROME. Identifiers: Orphanet 2143, MedGen C1857277, MONDO:0009104, OMIM 222448.

Submission:

Myriad Genetics, Inc.
Classification: Pathogenic for Donnai-Barrow syndrome. Last evaluated: 2025-11-16. Review status: criteria provided, single submitter. Criteria: Myriad Autosomal Dominant, Autosomal Recessive and X-Linked Classification Criteria (2023). Collection method: clinical testing. Allele origin: unknown.
Comment: NM_004525.2(LRP2):c.2269_2270ins8(F757Sfs*11) is expected to be pathogenic in the context of Donnai-Barrow syndrome. This variant is predicted to lead to an abnormal or absent protein product due to the creation of a premature termination codon in LRP2, a gene where loss-of-function variants are known to be pathogenic. Please note: this variant was assessed in the context of healthy population screening.

NM_004525.3(LRP2):c.2269_2270insCTATCTTT (p.Phe757fs)

Gene: LRP2 (LDL receptor related protein 2; minus strand). Cytogenetic location: 2q31.1.
Variant type: Insertion.
Coding change: c.2269_2270insCTATCTTT on transcript NM_004525.3 (MANE Select); coding-DNA positions 2269 to 2270, CTATCTTT inserted.
Protein change: p.Phe757fs; shifts the reading frame from phenylalanine 757.
Molecular consequence: frameshift variant.
Genome position: GRCh38 VCF-style: chr2-169270954-A-AAAAGATAG. GRCh37 (hg19) VCF-style: chr2-170127464-A-AAAAGATAG.
Other names: short protein forms F757fs.
Identifiers: ClinVar variation 5015224 (VCV005015224.1).
Genomic context (GRCh38, chr2:169,270,954, plus strand): 5'-CCTTTCTCACCTGTGCCATCAATCTTTTGCTTAAAAATCATGTGTTTTGACATATCTGAA[A>AAAAGATAG]AAAAGATAGTGCTGTCCTGGGCGTCAAAATCAATCCCGACAAAGAAAGAAGGATTCCCCG-3'